The following is an entry in ClinVar:

ClinVar aggregate classification (germline): Likely pathogenic (1 of 4 stars; one submission).

Conditions:
WDPCP-related disorder. Also called: WDPCP-related condition.

Submission:

PreventionGenetics, part of Exact Sciences
Classification: Likely pathogenic for WDPCP-related condition. Last evaluated: 2026-08-11. Review status: criteria provided, single submitter. Criteria: ACMG Guidelines, 2015. Collection method: clinical testing. Allele origin: germline.
Comment: The WDPCP c.558_567del10 variant is predicted to result in a frameshift and premature protein termination (p.Phe186Leufs*10). To our knowledge, this variant has not been reported in the literature or in a large population database (gnomAD), indicating this variant is rare. Frameshift variants in WDPCP are expected to be pathogenic. This variant is interpreted as likely pathogenic.

NM_015910.7(WDPCP):c.558_567del (p.Phe186fs)

Gene: WDPCP (WD repeat containing planar cell polarity effector; minus strand). Cytogenetic location: 2p15.
Variant type: Deletion.
Coding change: c.558_567del on transcript NM_015910.7 (MANE Select); coding-DNA positions 558 to 567, 10 bases deleted (TATTCAGTTT; older notation c.558_567delTATTCAGTTT).
Protein change: p.Phe186fs; shifts the reading frame from phenylalanine 186.
Molecular consequence: frameshift variant. On other transcripts: non-coding transcript variant (3).
Genome position (GRCh38, 1-based): chr2:63,437,487-63,437,496, AAACTGAATA deleted on the plus strand (TATTCAGTTT on the coding strand, the reverse complement: WDPCP is on the minus strand); deleting any 10 consecutive bases within chr2:63,437,487-63,437,500 gives the same sequence; the c. name uses the placement nearest the transcript's 3' end. VCF-style (leftmost placement, unchanged base first): chr2-63437486-TAAACTGAATA-T. GRCh37 (hg19) VCF-style: chr2-63664620-TAAACTGAATA-T.
Other names: c.81_90del, p.Phe27fs (NM_001042692.3); c.486_495del, p.Phe162fs (NM_001354044.2); c.558_567del, p.Phe186fs (NM_001354045.2); short protein forms F162fs, F27fs, F186fs.
Identifiers: ClinVar variation 4995534 (VCV004995534.1).